The following is an entry in ClinVar:

NM_000214.3(JAG1):c.439+6T>A

Gene: JAG1 (jagged canonical Notch ligand 1; minus strand). Cytogenetic location: 20p12.2.
Variant type: single nucleotide variant.
Coding change: c.439+6T>A on transcript NM_000214.3 (MANE Select); 6 bases into the intron after coding-DNA position 439, T replaced by A.
Molecular consequence: intron variant.
Genome position (GRCh38, 1-based): chr20:10,663,957, A>T on the plus strand (T>A on the coding strand, the complement: JAG1 is on the minus strand). VCF-style: chr20-10663957-A-T. GRCh37 (hg19) VCF-style: chr20-10644605-A-T.
Identifiers: ClinVar variation 857878 (VCV000857878.9), dbSNP rs2067434392, ClinGen allele CA916083752.

ClinVar aggregate classification (germline): Uncertain significance (1 of 4 stars; one submission).

Conditions:
Alagille syndrome due to a JAG1 point mutation. Also called: HEPATIC DUCTULAR HYPOPLASIA, SYNDROMATIC; Alagille Syndrome 1; JAG1-Related Alagille Syndrome. Identifiers: Orphanet 261619, Orphanet 52, MedGen C1956125, MONDO:0016862, OMIM 118450.

Submission:

Labcorp Genetics (formerly Invitae), Labcorp
Classification: Uncertain significance for Alagille syndrome due to a JAG1 point mutation. Last evaluated: 2019-03-18. Review status: criteria provided, single submitter. Criteria: Invitae Variant Classification Sherloc (09022015). Collection method: clinical testing. Allele origin: germline.
Comment: In summary, the available evidence is currently insufficient to determine the role of this variant in disease. Therefore, it has been classified as a Variant of Uncertain Significance. Nucleotide substitutions within the consensus splice site are a relatively common cause of aberrant splicing (PMID: 17576681, 9536098). Algorithms developed to predict the effect of sequence changes on RNA splicing suggest that this variant may disrupt the consensus splice site, but this prediction has not been confirmed by published transcriptional studies. This variant has been observed in an individual affected with Alagille syndrome (PMID: 16575836). This variant is not present in population databases (ExAC no frequency). This sequence change falls in intron 3 of the JAG1 gene. It does not directly change the encoded amino acid sequence of the JAG1 protein, but it affects a nucleotide within the consensus splice site of the intron.

Literature cited by the submitters: PubMed 17576681; PubMed 9536098; PubMed 16575836.